The following is an entry in ClinVar:

NM_033380.3(COL4A5):c.1843G>A (p.Gly615Arg)

Gene: COL4A5 (collagen type IV alpha 5 chain; plus strand). Cytogenetic location: Xq22.3.
Variant type: single nucleotide variant.
Coding change: c.1843G>A on transcript NM_033380.3 (MANE Select); coding-DNA position 1843, G replaced by A.
Protein change: p.Gly615Arg; replaces glycine 615 with arginine.
Molecular consequence: missense variant.
Genome position (GRCh38, 1-based): chrX:108,598,765, G>A. VCF-style: chrX-108598765-G-A. GRCh37 (hg19) VCF-style: chrX-107841995-G-A.
Other names: c.1843G>A, p.Gly615Arg (NM_000495.5); short protein forms G615R.
Identifiers: ClinVar variation 599064 (VCV000599064.9), dbSNP rs1569494304, ClinGen allele CA413845727.

ClinVar aggregate classification (germline): Pathogenic. Review status: criteria provided, single submitter (1 of 4 stars). 2 submissions from 2 submitters: Pathogenic (1). 1 of the submissions does not count toward it. Last evaluated 2024-07-19.

Conditions:
X-linked Alport syndrome (ATS1). Also called: NEPHROPATHY AND DEAFNESS, X-LINKED; COL4A5-Related Nephropathy. Identifiers: Orphanet 63, Orphanet 88917, MedGen C4746986, MONDO:0010520, OMIM 301050.

Submissions (2):

Labcorp Genetics (formerly Invitae), Labcorp
Classification: Pathogenic. Last evaluated: 2024-07-19. Review status: criteria provided, single submitter. Criteria: Invitae Variant Classification Sherloc (09022015). Collection method: clinical testing. Allele origin: germline.
Comment: This sequence change replaces glycine, which is neutral and non-polar, with arginine, which is basic and polar, at codon 615 of the COL4A5 protein (p.Gly615Arg). This variant is not present in population databases (gnomAD no frequency). This missense change has been observed in individuals with clinical features of Alport syndrome (PMID: 22921432; Invitae). ClinVar contains an entry for this variant (Variation ID: 599064). Advanced modeling of protein sequence and biophysical properties (such as structural, functional, and spatial information, amino acid conservation, physicochemical variation, residue mobility, and thermodynamic stability) performed at Invitae indicates that this missense variant is expected to disrupt COL4A5 protein function with a positive predictive value of 95%. This variant disrupts the triple helix domain of COL4A5. Glycine residues within the Gly-Xaa-Yaa repeats of the triple helix domain are required for the structure and stability of fibrillar collagens (PMID: 7695699, 8218237, 19344236). In COL4A5, missense variants at these glycine residues are significantly enriched in individuals with disease (PMID: 23720012, 27627812) compared to the general population (ExAC). For these reasons, this variant has been classified as Pathogenic.

Bioscientia Institut fuer Medizinische Diagnostik GmbH, Sonic Healthcare
Classification: Pathogenic for X-linked Alport syndrome. Last evaluated: 2018-01-09. Review status: no assertion criteria provided. Collection method: clinical testing. Allele origin: germline. Affected: yes. Not counted in ClinVar's aggregate classification.

Literature cited by the submitters: PubMed 22921432 (cited by Labcorp Genetics (formerly Invitae), Labcorp); PubMed 7695699 (cited by Labcorp Genetics (formerly Invitae), Labcorp); PubMed 8218237 (cited by Labcorp Genetics (formerly Invitae), Labcorp); PubMed 19344236 (cited by Labcorp Genetics (formerly Invitae), Labcorp); PubMed 23720012 (cited by Labcorp Genetics (formerly Invitae), Labcorp); PubMed 27627812 (cited by Labcorp Genetics (formerly Invitae), Labcorp).